The following is an entry in ClinVar:

ClinVar aggregate classification (germline): Uncertain significance (1 of 4 stars; one submission).

Allele frequency attached by ClinVar (database versions not stated): gnomAD exomes 0.00005; gnomAD 0.00010; ExAC 0.00005.

Submission:

Labcorp Genetics (formerly Invitae), Labcorp
Classification: Uncertain significance. Last evaluated: 2022-09-07. Review status: criteria provided, single submitter. Criteria: Invitae Variant Classification Sherloc (09022015). Collection method: clinical testing. Allele origin: germline.
Comment: This sequence change replaces alanine, which is neutral and non-polar, with threonine, which is neutral and polar, at codon 561 of the TRIOBP protein (p.Ala561Thr). The frequency data for this variant in the population databases is considered unreliable, as metrics indicate poor data quality at this position in the gnomAD database. This variant has not been reported in the literature in individuals affected with TRIOBP-related conditions. ClinVar contains an entry for this variant (Variation ID: 1513290). Algorithms developed to predict the effect of missense changes on protein structure and function are either unavailable or do not agree on the potential impact of this missense change (SIFT: "Tolerated"; PolyPhen-2: "Possibly Damaging"; Align-GVGD: "Class C0"). In summary, the available evidence is currently insufficient to determine the role of this variant in disease. Therefore, it has been classified as a Variant of Uncertain Significance.

NM_001039141.3(TRIOBP):c.1681G>A (p.Ala561Thr)

Gene: TRIOBP (TRIO and F-actin binding protein; plus strand). Cytogenetic location: 22q13.1.
Variant type: single nucleotide variant.
Coding change: c.1681G>A on transcript NM_001039141.3 (MANE Select); coding-DNA position 1681, G replaced by A.
Protein change: p.Ala561Thr; replaces alanine 561 with threonine.
Molecular consequence: missense variant.
Genome position (GRCh38, 1-based): chr22:37,724,237, G>A. VCF-style: chr22-37724237-G-A. GRCh37 (hg19) VCF-style: chr22-38120244-G-A.
Other names: short protein forms A561T.
Identifiers: ClinVar variation 1513290 (VCV001513290.5), dbSNP rs778407413, ClinGen allele CA10223644.